The following is an entry in ClinVar:

ClinVar aggregate classification (germline): Uncertain significance (1 of 4 stars; one submission).

Conditions:
Lafora disease. Also called: Epilepsy progressive myoclonic 2. Identifiers: Orphanet 501, MedGen C0751783, MONDO:0009697.

Allele frequency attached by ClinVar (database versions not stated): gnomAD 0.00001; 1000 Genomes Project 0.00020.

Submission:

Labcorp Genetics (formerly Invitae), Labcorp
Classification: Uncertain significance for Lafora disease. Last evaluated: 2022-07-25. Review status: criteria provided, single submitter. Criteria: Invitae Variant Classification Sherloc (09022015). Collection method: clinical testing. Allele origin: germline.
Comment: This sequence change replaces glycine, which is neutral and non-polar, with arginine, which is basic and polar, at codon 157 of the NHLRC1 protein (p.Gly157Arg). This variant is present in population databases (rs533620472, gnomAD 0.03%). This variant has not been reported in the literature in individuals affected with NHLRC1-related conditions. Algorithms developed to predict the effect of missense changes on protein structure and function are either unavailable or do not agree on the potential impact of this missense change (SIFT: "Deleterious"; PolyPhen-2: "Benign"; Align-GVGD: "Class C15"). In summary, the available evidence is currently insufficient to determine the role of this variant in disease. Therefore, it has been classified as a Variant of Uncertain Significance.

NM_198586.3(NHLRC1):c.469G>A (p.Gly157Arg)

Gene: NHLRC1 (NHL repeat containing E3 ubiquitin protein ligase 1; minus strand). Cytogenetic location: 6p22.3.
Variant type: single nucleotide variant.
Coding change: c.469G>A on transcript NM_198586.3 (MANE Select); coding-DNA position 469, G replaced by A.
Protein change: p.Gly157Arg; replaces glycine 157 with arginine.
Molecular consequence: missense variant.
Genome position (GRCh38, 1-based): chr6:18,122,138, C>T on the plus strand (G>A on the coding strand, the complement: NHLRC1 is on the minus strand). VCF-style: chr6-18122138-C-T. GRCh37 (hg19) VCF-style: chr6-18122369-C-T.
Other names: short protein forms G157R.
Identifiers: ClinVar variation 2078455 (VCV002078455.1), dbSNP rs533620472, ClinGen allele CA3649989.